The following is an entry in ClinVar:

NM_000883.4(IMPDH1):c.661C>T (p.Arg221Trp)

Gene: IMPDH1 (inosine monophosphate dehydrogenase 1; minus strand). Cytogenetic location: 7q32.1.
Variant type: single nucleotide variant.
Coding change: c.661C>T on transcript NM_000883.4 (MANE Select); coding-DNA position 661, C replaced by T.
Protein change: p.Arg221Trp; replaces arginine 221 with tryptophan.
Molecular consequence: missense variant.
Genome position (GRCh38, 1-based): chr7:128,400,458, G>A on the plus strand (C>T on the coding strand, the complement: IMPDH1 is on the minus strand). VCF-style: chr7-128400458-G-A. GRCh37 (hg19) VCF-style: chr7-128040512-G-A.
Other names: c.631C>T, p.Arg211Trp (NM_001102605.2); c.406C>T, p.Arg136Trp (NM_001142573.2); c.391C>T, p.Arg131Trp (NM_001142574.2); c.331C>T, p.Arg111Trp (NM_001142575.2); c.562C>T, p.Arg188Trp (NM_001142576.2); c.454C>T, p.Arg152Trp (NM_001304521.2); c.553C>T, p.Arg185Trp (NM_183243.3); short protein forms R131W, R152W, R185W, R111W, R136W, R188W, R211W, R221W.
Identifiers: ClinVar variation 942405 (VCV000942405.11), dbSNP rs771930753, ClinGen allele CA4471085.
Genomic context (GRCh38, chr7:128,400,458, plus strand): 5'-CCACCAGCTTGCTGCCCATGGTGCCCGTCTCAGTGATGGGGATGCCAGAGAAGCCATGCC[G>A]CATCTTGGCCTCCAGCACATCGCCCACAGTGTGCGAGGGGCTCAGCACCACAGGGTCCGT-3'
Protein context (NP_000874.2, residues 211-231): TVGDVLEAKM[Arg221Trp]HGFSGIPITE

ClinVar aggregate classification (germline): Uncertain significance. Review status: criteria provided, multiple submitters, no conflicts (2 of 4 stars). 3 submissions from 3 submitters: Uncertain significance (3). Last evaluated 2026-04-16.

Conditions:
IMPDH1-related disorder. Also called: IMPDH1-related condition; IMPDH1-related disorders.

Allele frequency attached by ClinVar (database versions not stated): gnomAD exomes below 0.00001 and 0.00002; ExAC 0.00002; TOPMed 0.00003; gnomAD 0.00005.
gnomAD v4.1: 33 of 1,612,164 alleles (0.002%); highest among the groups gnomAD compares: African/African-American, 0.0093%; no homozygotes.

Submissions (3):

PreventionGenetics, part of Exact Sciences
Classification: Uncertain significance for IMPDH1-related condition. Last evaluated: 2026-04-16. Review status: criteria provided, single submitter. Criteria: ACMG Guidelines, 2015. Collection method: clinical testing. Allele origin: germline.
Comment: The IMPDH1 c.661C>T variant is predicted to result in the amino acid substitution p.Arg221Trp. To our knowledge, this variant has not been reported in the literature. This variant is reported in 0.0041% of alleles in individuals of African descent in gnomAD. At this time, the clinical significance of this variant is uncertain due to the absence of conclusive functional and genetic evidence.

Labcorp Genetics (formerly Invitae), Labcorp
Classification: Uncertain significance. Last evaluated: 2026-01-19. Review status: criteria provided, single submitter. Criteria: Invitae Variant Classification Sherloc (09022015). Collection method: clinical testing. Allele origin: germline.
Comment: This sequence change replaces arginine, which is basic and polar, with tryptophan, which is neutral and slightly polar, at codon 221 of the IMPDH1 protein (p.Arg221Trp). The frequency data for this variant in the population databases is considered unreliable, as metrics indicate poor data quality at this position in the gnomAD database. This variant has not been reported in the literature in individuals affected with IMPDH1-related conditions. ClinVar contains an entry for this variant (Variation ID: 942405). An algorithm developed to predict the effect of missense changes on protein structure and function (PolyPhen-2) suggests that this variant is likely to be tolerated. In summary, the available evidence is currently insufficient to determine the role of this variant in disease. Therefore, it has been classified as a Variant of Uncertain Significance.

Blueprint Genetics
Classification: Uncertain significance. Last evaluated: 2023-06-19. Review status: criteria provided, single submitter. Criteria: ACMG Guidelines, 2015. Collection method: clinical testing. Allele origin: germline.